The following is an entry in ClinVar:

NM_003193.5(TBCE):c.135G>C (p.Glu45Asp)

Gene: TBCE (tubulin folding cofactor E; plus strand). Cytogenetic location: 1q42.3.
Variant type: single nucleotide variant.
Coding change: c.135G>C on transcript NM_003193.5 (MANE Select); coding-DNA position 135, G replaced by C.
Protein change: p.Glu45Asp; replaces glutamic acid 45 with aspartic acid.
Molecular consequence: missense variant. On other transcripts: intron variant (1).
Genome position (GRCh38, 1-based): chr1:235,401,537, G>C. VCF-style: chr1-235401537-G-C. GRCh37 (hg19) VCF-style: chr1-235564852-G-C.
Other names: c.135G>C, p.Glu45Asp (NM_001079515.3, NM_001287801.2); c.-210-12896G>C (NM_001287802.2); short protein forms E45D.
Identifiers: ClinVar variation 1976530 (VCV001976530.5), dbSNP rs1275010951, ClinGen allele CA344981953.

ClinVar aggregate classification (germline): Uncertain significance (1 of 4 stars; one submission).

gnomAD v4.1: 1 of 1,613,940 alleles (0.000062%); highest among the groups gnomAD compares: Admixed American, 0.0017%; no homozygotes.

Submission:

Labcorp Genetics (formerly Invitae), Labcorp
Classification: Uncertain significance. Last evaluated: 2022-03-15. Review status: criteria provided, single submitter. Criteria: Invitae Variant Classification Sherloc (09022015). Collection method: clinical testing. Allele origin: germline.
Comment: Algorithms developed to predict the effect of missense changes on protein structure and function (SIFT, PolyPhen-2, Align-GVGD) all suggest that this variant is likely to be tolerated. In summary, the available evidence is currently insufficient to determine the role of this variant in disease. Therefore, it has been classified as a Variant of Uncertain Significance. This variant has not been reported in the literature in individuals affected with TBCE-related conditions. This variant is present in population databases (no rsID available, gnomAD 0.003%). This sequence change replaces glutamic acid, which is acidic and polar, with aspartic acid, which is acidic and polar, at codon 45 of the TBCE protein (p.Glu45Asp).